The following is an entry in ClinVar:

ClinVar aggregate classification (germline): Pathogenic/Likely pathogenic. Review status: criteria provided, multiple submitters, no conflicts (2 of 4 stars). 2 submissions from 2 submitters: Pathogenic (1); Likely pathogenic (1). Last evaluated 2025-10-30.

Conditions:
ABCB4-related disorder. Also called: ABCB4-related disorders; ABCB4-related condition.

Submissions (2):

3billion
Classification: Pathogenic for ABCB4-related disorder. Last evaluated: 2025-10-30. Review status: criteria provided, single submitter. Criteria: ACMG Guidelines, 2015. Collection method: clinical testing. Allele origin: germline. Affected: yes.
Comment: The variant is not observed in the gnomAD v4.1.0 dataset. Predicted Consequence/Location: Stop-gained (nonsense): predicted to result in a loss or disruption of normal protein function through nonsense-mediated decay (NMD) or protein truncation. Multiple pathogenic variants are reported downstream of the variant. The variant has been reported to be associated with ABCB4-related disorder (ClinVar ID: VCV002432512). Therefore, this variant is classified as Pathogenic according to the recommendation of ACMG/AMP guideline.

Revvity Omics, Revvity
Classification: Likely pathogenic. Last evaluated: 2022-09-13. Review status: criteria provided, single submitter. Criteria: ACMG Guidelines, 2015. Collection method: clinical testing. Allele origin: germline.

NM_000443.4(ABCB4):c.433C>T (p.Gln145Ter)

Gene: ABCB4 (ATP binding cassette subfamily B member 4; minus strand). Cytogenetic location: 7q21.12.
Variant type: single nucleotide variant.
Coding change: c.433C>T on transcript NM_000443.4 (MANE Select); coding-DNA position 433, C replaced by T.
Protein change: p.Gln145Ter; replaces glutamine 145 with a stop codon.
Molecular consequence: nonsense.
Genome position (GRCh38, 1-based): chr7:87,453,047, G>A on the plus strand (C>T on the coding strand, the complement: ABCB4 is on the minus strand). VCF-style: chr7-87453047-G-A. GRCh37 (hg19) VCF-style: chr7-87082363-G-A.
Other names: c.433C>T, p.Gln145Ter (NM_018849.3, NM_018850.3); short protein forms Q145*.
Identifiers: ClinVar variation 2432512 (VCV002432512.4), dbSNP rs2546864774, ClinGen allele CA368054543.